The following is an entry in ClinVar:

ClinVar aggregate classification (germline): Uncertain significance (1 of 4 stars; one submission).

Conditions:
Early-infantile DEE. Also called: Ohtahara syndrome; Early infantile epileptic encephalopathy; Early infantile epileptic encephalopathy with suppression bursts. Identifiers: Orphanet 1934, MedGen C0393706, MONDO:0800491.

gnomAD v4.1: 1 of 1,612,956 alleles (0.000062%); highest among the groups gnomAD compares: African/African-American, 0.0013%; no homozygotes.

Submission:

Labcorp Genetics (formerly Invitae), Labcorp
Classification: Uncertain significance for Early-infantile DEE. Last evaluated: 2022-09-13. Review status: criteria provided, single submitter. Criteria: Invitae Variant Classification Sherloc (09022015). Collection method: clinical testing. Allele origin: germline.
Comment: This variant is not present in population databases (gnomAD no frequency). This sequence change replaces valine, which is neutral and non-polar, with glutamic acid, which is acidic and polar, at codon 1169 of the SCN1A protein (p.Val1169Glu). In summary, the available evidence is currently insufficient to determine the role of this variant in disease. Therefore, it has been classified as a Variant of Uncertain Significance. Advanced modeling of protein sequence and biophysical properties (such as structural, functional, and spatial information, amino acid conservation, physicochemical variation, residue mobility, and thermodynamic stability) performed at Invitae indicates that this missense variant is not expected to disrupt SCN1A protein function. ClinVar contains an entry for this variant (Variation ID: 1019895). This variant has not been reported in the literature in individuals affected with SCN1A-related conditions.

NM_001165963.4(SCN1A):c.3506T>A (p.Val1169Glu)

Genes: SCN1A (sodium voltage-gated channel alpha subunit 1; minus strand), LOC102724058 (uncharacterized LOC102724058; plus strand). Cytogenetic location: 2q24.3.
Variant type: single nucleotide variant.
Coding change: c.3506T>A on transcript NM_001165963.4 (MANE Select); coding-DNA position 3506, T replaced by A.
Protein change: p.Val1169Glu; replaces valine 1169 with glutamic acid.
Molecular consequence: missense variant. On other transcripts: non-coding transcript variant (2).
Genome position (GRCh38, 1-based): chr2:166,015,651, A>T on the plus strand (T>A on the coding strand, the complement: SCN1A is on the minus strand). VCF-style: chr2-166015651-A-T. GRCh37 (hg19) VCF-style: chr2-166872161-A-T.
Other names: c.3422T>A, p.Val1141Glu (NM_001165964.3, NM_001353957.2, NM_001353958.2); c.3506T>A, p.Val1169Glu (NM_001202435.3, NM_001353948.2); c.3473T>A, p.Val1158Glu (NM_001353949.2, NM_001353950.2, NM_001353951.2 and 2 more transcripts); c.3470T>A, p.Val1157Glu (NM_001353954.2, NM_001353955.2); c.3419T>A, p.Val1140Glu (NM_001353960.2); c.1064T>A, p.Val355Glu (NM_001353961.2); short protein forms V1140E, V1141E, V1157E, V1158E, V1169E, V355E.
Identifiers: ClinVar variation 1019895 (VCV001019895.11), dbSNP rs1380673643, ClinGen allele CA349056681.